The following is an entry in ClinVar:

ClinVar aggregate classification (germline): Uncertain significance. Review status: criteria provided, multiple submitters, no conflicts (2 of 4 stars). 2 submissions from 2 submitters: Uncertain significance (2). Last evaluated 2024-12-14.

Conditions:
Inborn genetic diseases. Identifiers: MedGen C0950123, MeSH D030342.

Allele frequency attached by ClinVar (database versions not stated): gnomAD exomes below 0.00001 and 0.00001; ExAC 0.00001; TOPMed 0.00002.
gnomAD v4.1: 8 of 1,614,140 alleles (0.0005%); highest among the groups gnomAD compares: Non-Finnish European, 0.00068%; no homozygotes.

Submissions (2):

Ambry Genetics
Classification: Uncertain significance for Inborn genetic diseases. Last evaluated: 2024-12-14. Review status: criteria provided, single submitter. Criteria: Ambry Variant Classification Scheme 2023. Collection method: clinical testing. Allele origin: germline.

Labcorp Genetics (formerly Invitae), Labcorp
Classification: Uncertain significance. Last evaluated: 2021-01-12. Review status: criteria provided, single submitter. Criteria: Invitae Variant Classification Sherloc (09022015). Collection method: clinical testing. Allele origin: germline.
Comment: This sequence change replaces leucine with proline at codon 401 of the ARMC9 protein (p.Leu401Pro). The leucine residue is highly conserved and there is a moderate physicochemical difference between leucine and proline. This variant is present in population databases (rs759550519, ExAC 0.002%). This variant has not been reported in the literature in individuals with ARMC9-related conditions. In summary, the available evidence is currently insufficient to determine the role of this variant in disease. Therefore, it has been classified as a Variant of Uncertain Significance.

NM_001352754.2(ARMC9):c.1202T>C (p.Leu401Pro)

Gene: ARMC9 (armadillo repeat containing 9; plus strand). Cytogenetic location: 2q37.1.
Variant type: single nucleotide variant.
Coding change: c.1202T>C on transcript NM_001352754.2 (MANE Select); coding-DNA position 1202, T replaced by C.
Protein change: p.Leu401Pro; replaces leucine 401 with proline.
Molecular consequence: missense variant. On other transcripts: non-coding transcript variant (1).
Genome position (GRCh38, 1-based): chr2:231,271,064, T>C. VCF-style: chr2-231271064-T-C. GRCh37 (hg19) VCF-style: chr2-232135777-T-C.
Other names: c.1202T>C (NM_025139.3); c.1202T>C, p.Leu401Pro (NM_001271466.4, NM_001291656.2, NM_001352755.2 and 3 more transcripts); c.1103T>C, p.Leu368Pro (NM_001352757.2, NM_001352758.2); short protein forms L368P, L401P.
Identifiers: ClinVar variation 1501985 (VCV001501985.7), dbSNP rs759550519, ClinGen allele CA2160228.